The following is an entry in ClinVar:

NM_178857.6(RP1L1):c.2848C>T (p.Arg950Cys)

Gene: RP1L1 (RP1 like 1). Cytogenetic location: 8p23.1.
Variant type: single nucleotide variant.
Coding change: c.2848C>T on transcript NM_178857.6 (MANE Select); coding-DNA position 2848, C replaced by T.
Protein change: p.Arg950Cys; replaces arginine 950 with cysteine.
Molecular consequence: missense variant.
Genome position (GRCh38, 1-based): chr8:10,611,250, G>A on the plus strand (C>T on the coding strand, the complement: RP1L1 is on the minus strand). VCF-style: chr8-10611250-G-A. GRCh37 (hg19) VCF-style: chr8-10468760-G-A.
Other names: short protein forms R950C.
Identifiers: ClinVar variation 910301 (VCV000910301.8), dbSNP rs200245949, ClinGen allele CA4624687.
Genomic context (GRCh38, chr8:10,611,250, plus strand): 5'-GTATGGGCTCTTCTGGAATGTTGTCCAGCCATTCGCGGACCACAGCCTCTGGAGACGAGC[G>A]GGGCAGAGAGCTGGGTGACACACCACTGGCCTCCTCCTGCCCCTGGGGGCCTCCCCCACT-3'
Protein context (NP_849188.4, residues 940-960): ASGVSPSSLP[Arg950Cys]SSPEAVVREW

ClinVar aggregate classification (germline): Conflicting classifications of pathogenicity. Review status: criteria provided, conflicting classifications (1 of 4 stars). 4 submissions from 4 submitters: Uncertain significance (2); Benign (2). Last evaluated 2026-08-28.

Conditions:
Inborn genetic diseases. Identifiers: MedGen C0950123, MeSH D030342.
Occult macular dystrophy (OCMD). Also called: OMD; OCCULT MACULAR DYSTROPHY, SUSCEPTIBILITY TO. Identifiers: Orphanet 247834, MedGen C3150833, MONDO:0013316, OMIM 613587, HP:0030636.
RP1L1-related disorder. Also called: RP1L1-related condition.

Allele frequency attached by ClinVar (database versions not stated): TOPMed 0.00007.
gnomAD v4.1: 102 of 1,612,888 alleles (0.0063%); highest among the groups gnomAD compares: Admixed American, 0.1%; no homozygotes.

Submissions (4):

PreventionGenetics, part of Exact Sciences
Classification: Uncertain significance for RP1L1-related condition. Last evaluated: 2026-08-28. Review status: criteria provided, single submitter. Criteria: ACMG Guidelines, 2015. Collection method: clinical testing. Allele origin: germline.
Comment: The RP1L1 c.2848C>T variant is predicted to result in the amino acid substitution p.Arg950Cys. To our knowledge, this variant has not been reported in the literature. This variant is reported in 0.13% of alleles in individuals of Latino descent in gnomAD, which may be too frequent to be a primary cause of disease. Although we suspect that this variant may be benign, at this time, the clinical significance of this variant is uncertain due to the absence of conclusive functional and genetic evidence.

Ambry Genetics
Classification: Uncertain significance for Inborn genetic diseases. Last evaluated: 2025-11-26. Review status: criteria provided, single submitter. Criteria: Ambry Variant Classification Scheme 2023. Collection method: clinical testing. Allele origin: germline.

Blueprint Genetics
Classification: Benign. Last evaluated: 2022-10-04. Review status: criteria provided, single submitter. Criteria: ACMG Guidelines, 2015. Collection method: clinical testing. Allele origin: germline.

Illumina Laboratory Services, Illumina
Classification: Benign for Occult macular dystrophy. Last evaluated: 2018-01-13. Review status: criteria provided, single submitter. Criteria: ICSL Variant Classification Criteria 13 December 2019. Collection method: clinical testing. Allele origin: germline.
Comment: This variant was observed in the ICSL laboratory as part of a predisposition screen in an ostensibly healthy population. It had not been previously curated by ICSL or reported in the Human Gene Mutation Database (HGMD: prior to June 1st, 2018), and was therefore a candidate for classification through an automated scoring system. Utilizing variant allele frequency, disease prevalence and penetrance estimates, and inheritance mode, an automated score was calculated to assess if this variant is too frequent to cause the disease. Based on the score and internal cut-off values, a variant classified as benign is not then subjected to further curation. The score for this variant resulted in a classification of benign for this disease.